The following is an entry in ClinVar:

ClinVar aggregate classification (germline): Uncertain significance. Review status: criteria provided, multiple submitters, no conflicts (2 of 4 stars). 2 submissions from 2 submitters: Uncertain significance (2). Last evaluated 2025-11-17.

Conditions:
Familial adenomatous polyposis 1 (FAP1). Also called: FAMILIAL ADENOMATOUS POLYPOSIS 1, ATTENUATED; POLYPOSIS, ADENOMATOUS INTESTINAL. Identifiers: MedGen C2713442, MONDO:0021056, OMIM 175100. Disease mechanism: loss of function.
Hereditary cancer-predisposing syndrome. Also called: Neoplastic Syndromes, Hereditary; Tumor predisposition; Hereditary Cancer Syndrome; Hereditary neoplastic syndrome. Identifiers: Orphanet 140162, MedGen C0027672, MeSH D009386, MONDO:0015356.

Submissions (2):

Ambry Genetics
Classification: Uncertain significance for Hereditary cancer-predisposing syndrome. Last evaluated: 2025-11-17. Review status: criteria provided, single submitter. Criteria: Ambry Variant Classification Scheme 2023. Collection method: clinical testing. Allele origin: germline.
Comment: The p.M1583T variant (also known as c.4748T>C), located in coding exon 15 of the APC gene, results from a T to C substitution at nucleotide position 4748. The methionine at codon 1583 is replaced by threonine, an amino acid with similar properties. Other variant(s) at the same codon, p.M1583V (c.4747A>G), have been identified in individual(s) with features consistent with APC-related familial adenomatous polyposis (Ambry internal data). This amino acid position is highly conserved in available vertebrate species. In addition, in silico predictors for this gene do not accurately predict pathogenicity. Based on the available evidence, the clinical significance of this variant remains unclear.

Labcorp Genetics (formerly Invitae), Labcorp
Classification: Uncertain significance for Familial adenomatous polyposis 1. Last evaluated: 2024-11-09. Review status: criteria provided, single submitter. Criteria: Invitae Variant Classification Sherloc (09022015). Collection method: clinical testing. Allele origin: germline.
Comment: This sequence change replaces methionine, which is neutral and non-polar, with threonine, which is neutral and polar, at codon 1583 of the APC protein (p.Met1583Thr). This variant is not present in population databases (gnomAD no frequency). This variant has not been reported in the literature in individuals affected with APC-related conditions. Invitae Evidence Modeling of protein sequence and biophysical properties (such as structural, functional, and spatial information, amino acid conservation, physicochemical variation, residue mobility, and thermodynamic stability) indicates that this missense variant is not expected to disrupt APC protein function with a negative predictive value of 95%. In summary, the available evidence is currently insufficient to determine the role of this variant in disease. Therefore, it has been classified as a Variant of Uncertain Significance.

NM_000038.6(APC):c.4748T>C (p.Met1583Thr)

Gene: APC (APC regulator of Wnt signaling pathway; plus strand). Cytogenetic location: 5q22.2.
Variant type: single nucleotide variant.
Coding change: c.4748T>C on transcript NM_000038.6 (MANE Select); coding-DNA position 4748, T replaced by C.
Protein change: p.Met1583Thr; replaces methionine 1583 with threonine.
Molecular consequence: missense variant. On other transcripts: non-coding transcript variant (2).
Genome position (GRCh38, 1-based): chr5:112,840,342, T>C. VCF-style: chr5-112840342-T-C. GRCh37 (hg19) VCF-style: chr5-112176039-T-C.
Other names: c.4748T>C, p.Met1583Thr (NM_001127510.3, NM_001354895.2, NM_001407450.1); c.4694T>C, p.Met1565Thr (NM_001127511.3); c.4802T>C, p.Met1601Thr (NM_001354896.2, NM_001407447.1, NM_001407448.1 and 1 more transcripts); c.4778T>C, p.Met1593Thr (NM_001354897.2); c.4673T>C, p.Met1558Thr (NM_001354898.2); c.4664T>C, p.Met1555Thr (NM_001354899.2); c.4625T>C, p.Met1542Thr (NM_001354900.2); c.4571T>C, p.Met1524Thr (NM_001354901.2, NM_001407453.1); and 12 more; short protein forms M1482T, M1500T, M1524T, M1542T, M1573T, M1576T, M1593T, M1199T.
Identifiers: ClinVar variation 3635472 (VCV003635472.3).